The following is an entry in ClinVar:

NM_013275.6(ANKRD11):c.2750_2751del (p.Asn916_Ser917insTer)

Gene: ANKRD11 (ankyrin repeat domain 11; minus strand). Cytogenetic location: 16q24.3.
Variant type: Microsatellite.
Coding change: c.2750_2751del on transcript NM_013275.6 (MANE Select); coding-DNA positions 2750 to 2751, 2 bases deleted (CT; older notation c.2750_2751delCT).
Protein change: p.Asn916_Ser917insTer.
Molecular consequence: nonsense.
Genome position (GRCh38, 1-based): chr16:89,283,791-89,283,792, AG deleted on the plus strand (CT on the coding strand, the reverse complement: ANKRD11 is on the minus strand); deleting any 2 consecutive bases within chr16:89,283,791-89,283,794 gives the same sequence; the c. name uses the placement nearest the transcript's 3' end. VCF-style (leftmost placement, unchanged base first): chr16-89283790-CAG-C. GRCh37 (hg19) VCF-style: chr16-89350198-CAG-C.
Other names: c.2750_2751del, p.Asn916_Ser917insTer (NM_001256182.2, NM_001256183.2); c.2750_2751del (NM_001256183.1).
Identifiers: ClinVar variation 2525963 (VCV002525963.4), dbSNP rs2544240066, ClinGen allele CA2580613982.

ClinVar aggregate classification (germline): Pathogenic/Likely pathogenic. Review status: criteria provided, multiple submitters, no conflicts (2 of 4 stars). 3 submissions from 3 submitters: Pathogenic (2); Likely pathogenic (1). Last evaluated 2023-04-14.

Conditions:
Inborn genetic diseases. Identifiers: MedGen C0950123, MeSH D030342.
ANKRD11-related disorder. Also called: ANKRD11-related condition.
KBG syndrome (KBGS). Also called: ANKRD11-Related KBG Syndrome. Identifiers: Orphanet 2332, MedGen C0220687, MONDO:0007846, OMIM 148050.

Submissions (3):

Ambry Genetics
Classification: Pathogenic for Inborn genetic diseases. Last evaluated: 2023-04-14. Review status: criteria provided, single submitter. Criteria: Ambry Variant Classification Scheme 2023. Collection method: clinical testing. Allele origin: germline.
Comment: The c.2750_2751delCT (p.S917*) alteration, located in exon 9 (coding exon 7) of the ANKRD11 gene, consists of a deletion of 2 nucleotides from position 2750 to 2751, causing a translational frameshift with a predicted alternate stop codon. This alteration is expected to result in loss of function by premature protein truncation or nonsense-mediated mRNA decay. This variant was not reported in population-based cohorts in the Genome Aggregation Database (gnomAD). Based on the available evidence, this alteration is classified as pathogenic.

Blueprint Genetics
Classification: Likely pathogenic for ANKRD11-related disorders. Last evaluated: 2021-09-14. Review status: criteria provided, single submitter. Criteria: ACMG Guidelines, 2015. Collection method: clinical testing. Allele origin: germline. Affected: yes. Observed: 1 variant allele.

Clinical Genetics Service, Universitary Hospital 12 de Octubre
Classification: Pathogenic for KBG syndrome. Review status: criteria provided, single submitter. Criteria: ACMG Guidelines, 2015. Collection method: clinical testing. Allele origin: de novo. Affected: yes.